The following is an entry in ClinVar:

ClinVar aggregate classification (germline): Uncertain significance. Review status: criteria provided, multiple submitters, no conflicts (2 of 4 stars). 4 submissions from 4 submitters: Uncertain significance (3). 1 of the submissions does not count toward it. Last evaluated 2026-04-06.

Conditions:
Inborn genetic diseases. Identifiers: MedGen C0950123, MeSH D030342.
Usher syndrome type 2A. Also called: RETINAL DISEASE IN USHER SYNDROME TYPE IIA, MODIFIER OF; USHER SYNDROME, TYPE IIA. Identifiers: Orphanet 231178, Orphanet 886, MedGen C1848634, MONDO:0010169, OMIM 276901.

Allele frequency attached by ClinVar (database versions not stated): gnomAD 0.00001; TOPMed 0.00001; ExAC 0.00002; gnomAD exomes 0.00002; ESP Exome Variant Server 0.00008.
gnomAD v4.1: 34 of 1,614,048 alleles (0.0021%); highest among the groups gnomAD compares: Non-Finnish European, 0.0029%; no homozygotes.

Submissions (4):

Ambry Genetics
Classification: Uncertain significance for Inborn genetic diseases. Last evaluated: 2026-04-06. Review status: criteria provided, single submitter. Criteria: Ambry Variant Classification Scheme 2023. Collection method: clinical testing. Allele origin: germline.

Labcorp Genetics (formerly Invitae), Labcorp
Classification: Uncertain significance. Last evaluated: 2021-08-24. Review status: criteria provided, single submitter. Criteria: Invitae Variant Classification Sherloc (09022015). Collection method: clinical testing. Allele origin: germline.
Comment: This sequence change replaces threonine with alanine at codon 4214 of the USH2A protein (p.Thr4214Ala). The threonine residue is highly conserved and there is a small physicochemical difference between threonine and alanine. This variant is present in population databases (rs145099178, ExAC 0.009%). This variant has not been reported in the literature in individuals affected with USH2A-related conditions. Algorithms developed to predict the effect of missense changes on protein structure and function (SIFT, PolyPhen-2, Align-GVGD) all suggest that this variant is likely to be tolerated. In summary, the available evidence is currently insufficient to determine the role of this variant in disease. Therefore, it has been classified as a Variant of Uncertain Significance.

Blueprint Genetics
Classification: Uncertain significance. Last evaluated: 2019-01-28. Review status: criteria provided, single submitter. Criteria: ACMG Guidelines, 2015. Collection method: clinical testing. Allele origin: germline.

Natera, Inc.
Classification: Uncertain significance for Usher syndrome type 2A. Last evaluated: 2020-10-22. Review status: no assertion criteria provided. Collection method: clinical testing. Allele origin: germline. Not counted in ClinVar's aggregate classification.

NM_206933.4(USH2A):c.12640A>G (p.Thr4214Ala)

Gene: USH2A (usherin; minus strand). Cytogenetic location: 1q41.
Variant type: single nucleotide variant.
Coding change: c.12640A>G on transcript NM_206933.4 (MANE Select); coding-DNA position 12640, A replaced by G.
Protein change: p.Thr4214Ala; replaces threonine 4214 with alanine.
Molecular consequence: missense variant.
Genome position (GRCh38, 1-based): chr1:215,675,271, T>C on the plus strand (A>G on the coding strand, the complement: USH2A is on the minus strand). VCF-style: chr1-215675271-T-C. GRCh37 (hg19) VCF-style: chr1-215848613-T-C.
Other names: c.12640A>G (NM_206933.2); short protein forms T4214A.
Identifiers: ClinVar variation 1035467 (VCV001035467.9), dbSNP rs145099178, ClinGen allele CA1393433.